The following is an entry in ClinVar:

ClinVar aggregate classification (germline): Uncertain significance (1 of 4 stars; one submission).

Allele frequency attached by ClinVar (database versions not stated): gnomAD exomes below 0.00001; TOPMed below 0.00001.
gnomAD v4.1: 3 of 1,613,628 alleles (0.00019%); highest among the groups gnomAD compares: South Asian, 0.0011%; no homozygotes.

Submission:

GeneDx
Classification: Uncertain significance. Last evaluated: 2022-01-05. Review status: criteria provided, single submitter. Criteria: GeneDx Variant Classification Process June 2021. Collection method: clinical testing. Allele origin: germline. Affected: yes.
Comment: In silico analysis supports that this missense variant has a deleterious effect on protein structure/function; Not observed at significant frequency in large population cohorts (gnomAD); Has not been previously published as pathogenic or benign to our knowledge

NM_001020658.2(PUM1):c.3286C>T (p.Arg1096Cys)

Gene: PUM1 (pumilio RNA binding family member 1; minus strand). Cytogenetic location: 1p35.2.
Variant type: single nucleotide variant.
Coding change: c.3286C>T on transcript NM_001020658.2 (MANE Select); coding-DNA position 3286, C replaced by T.
Protein change: p.Arg1096Cys; replaces arginine 1096 with cysteine.
Molecular consequence: missense variant.
Genome position (GRCh38, 1-based): chr1:30,936,792, G>A on the plus strand (C>T on the coding strand, the complement: PUM1 is on the minus strand). VCF-style: chr1-30936792-G-A. GRCh37 (hg19) VCF-style: chr1-31409639-G-A.
Other names: c.3280C>T, p.Arg1094Cys (NM_014676.3); short protein forms R1094C, R1096C.
Identifiers: ClinVar variation 1695577 (VCV001695577.2), dbSNP rs1639226110, ClinGen allele CA339560654.